The following is an entry in ClinVar:

NM_001018115.3(FANCD2):c.3271del (p.Leu1091fs)

Genes: FANCD2 (FA complementation group D2; plus strand), FANCD2OS (FANCD2 opposite strand; minus strand). Cytogenetic location: 3p25.3.
Variant type: Deletion.
Coding change: c.3271del on transcript NM_001018115.3 (MANE Select); coding-DNA position 3271, one base deleted (C; older notation c.3271delC).
Protein change: p.Leu1091fs; shifts the reading frame from leucine 1091.
Molecular consequence: frameshift variant. On other transcripts: intron variant (1).
Genome position (GRCh38, 1-based): chr3:10,085,858, C deleted; the last of 3 consecutive C bases (chr3:10,085,856-10,085,858); deleting any one gives the same sequence. VCF-style (leftmost placement, unchanged base first): chr3-10085855-GC-G. GRCh37 (hg19) VCF-style: chr3-10127539-GC-G.
Other names: c.3271del, p.Leu1091fs (NM_001319984.2, NM_001374254.1, NM_033084.6); c.3160del, p.Leu1054fs (NM_001374253.1); c.*44-4325del (NM_173472.2); short protein forms L1054fs, L1091fs.
Identifiers: ClinVar variation 2028932 (VCV002028932.4), dbSNP rs2470034399, ClinGen allele CA2580068383.

ClinVar aggregate classification (germline): Pathogenic (1 of 4 stars; one submission).

Conditions:
Fanconi anemia (FA). Also called: Fanconi's anemia. Identifiers: Orphanet 84, MedGen C0015625, MeSH D005199, MONDO:0019391.

Submission:

Labcorp Genetics (formerly Invitae), Labcorp
Classification: Pathogenic for Fanconi anemia. Last evaluated: 2022-09-03. Review status: criteria provided, single submitter. Criteria: Invitae Variant Classification Sherloc (09022015). Collection method: clinical testing. Allele origin: germline.
Comment: For these reasons, this variant has been classified as Pathogenic. This variant has not been reported in the literature in individuals affected with FANCD2-related conditions. This variant is not present in population databases (gnomAD no frequency). This sequence change creates a premature translational stop signal (p.Leu1091Serfs*8) in the FANCD2 gene. It is expected to result in an absent or disrupted protein product. Loss-of-function variants in FANCD2 are known to be pathogenic (PMID: 17436244).

Literature cited by the submitters: PubMed 17436244.